The following is an entry in ClinVar:

ClinVar aggregate classification (germline): Likely pathogenic. Review status: criteria provided, multiple submitters, no conflicts (2 of 4 stars). 2 submissions from 2 submitters: Likely pathogenic (2). Last evaluated 2024-05-16.

Conditions:
Imerslund-Grasbeck syndrome. Also called: ENTEROCYTE COBALAMIN MALABSORPTION; ENTEROCYTE INTRINSIC FACTOR RECEPTOR, DEFECT OF; PERNICIOUS ANEMIA, JUVENILE, DUE TO SELECTIVE INTESTINAL MALABSORPTION OF VITAMIN B12, WITH PROTEINURIA; Megaloblastic anemia due to inborn errors of metabolism; Imerslund-Gräsbeck syndrome. Identifiers: Orphanet 35858, MedGen C4551825, MONDO:0009853.
Imerslund-Grasbeck syndrome type 2. Also called: MEGALOBLASTIC ANEMIA, NORWEGIAN TYPE; Imerslund-Gräsbeck syndrome 2; Megaloblastic anemia 1, Norwegian type. Identifiers: MedGen C4016948, MONDO:0100157, OMIM 618882.

gnomAD v4.1: 7 of 1,612,138 alleles (0.00043%); highest among the groups gnomAD compares: Non-Finnish European, 0.00059%; no homozygotes.

Submissions (2):

Fulgent Genetics
Classification: Likely pathogenic for Imerslund-Grasbeck syndrome type 2. Last evaluated: 2024-05-16. Review status: criteria provided, single submitter. Criteria: ACMG Guidelines, 2015. Collection method: clinical testing. Allele origin: germline.

Labcorp Genetics (formerly Invitae), Labcorp
Classification: Likely pathogenic for Imerslund-Grasbeck syndrome. Last evaluated: 2023-05-13. Review status: criteria provided, single submitter. Criteria: Invitae Variant Classification Sherloc (09022015). Collection method: clinical testing. Allele origin: germline.
Comment: In summary, the currently available evidence indicates that the variant is pathogenic, but additional data are needed to prove that conclusively. Therefore, this variant has been classified as Likely Pathogenic. Algorithms developed to predict the effect of sequence changes on RNA splicing suggest that this variant may disrupt the consensus splice site. This variant has not been reported in the literature in individuals affected with AMN-related conditions. This variant is not present in population databases (gnomAD no frequency). This sequence change affects an acceptor splice site in intron 1 of the AMN gene. It is expected to disrupt RNA splicing. Variants that disrupt the donor or acceptor splice site typically lead to a loss of protein function (PMID: 16199547), and loss-of-function variants in AMN are known to be pathogenic (PMID: 12590260, 22929189).

Literature cited by the submitters: PubMed 16199547 (cited by Labcorp Genetics (formerly Invitae), Labcorp); PubMed 12590260 (cited by Labcorp Genetics (formerly Invitae), Labcorp); PubMed 22929189 (cited by Labcorp Genetics (formerly Invitae), Labcorp).

NM_030943.4(AMN):c.44-1G>A

Gene: AMN (amnion associated transmembrane protein; plus strand). Cytogenetic location: 14q32.32.
Variant type: single nucleotide variant.
Coding change: c.44-1G>A on transcript NM_030943.4 (MANE Select); the canonical splice acceptor site of the intron before coding-DNA position 44, G replaced by A.
Molecular consequence: splice acceptor variant.
Genome position (GRCh38, 1-based): chr14:102,923,710, G>A. VCF-style: chr14-102923710-G-A. GRCh37 (hg19) VCF-style: chr14-103390047-G-A.
Identifiers: ClinVar variation 2971387 (VCV002971387.4), dbSNP rs1039454314, ClinGen allele CA267173235.